The following is an entry in ClinVar:

NM_000384.3(APOB):c.9868G>A (p.Val3290Ile)

Gene: APOB (apolipoprotein B; minus strand). Cytogenetic location: 2p24.1.
Variant type: single nucleotide variant.
Coding change: c.9868G>A on transcript NM_000384.3 (MANE Select); coding-DNA position 9868, G replaced by A.
Protein change: p.Val3290Ile; replaces valine 3290 with isoleucine.
Molecular consequence: missense variant.
Genome position (GRCh38, 1-based): chr2:21,007,000, C>T on the plus strand (G>A on the coding strand, the complement: APOB is on the minus strand). VCF-style: chr2-21007000-C-T. GRCh37 (hg19) VCF-style: chr2-21229872-C-T.
Other names: short protein forms V3290I.
Identifiers: ClinVar variation 927812 (VCV000927812.11), dbSNP rs772993823, ClinGen allele CA066918.

ClinVar aggregate classification (germline): Conflicting classifications of pathogenicity. Review status: criteria provided, conflicting classifications (1 of 4 stars). 3 submissions from 3 submitters: Uncertain significance (1); Benign (1); Likely benign (1). Last evaluated 2025-07-09.

Conditions:
Cardiovascular phenotype. Identifiers: MedGen CN230736.
Familial hypobetalipoproteinemia 1. Also called: Hypobetalipoproteinemia, normotriglyceridemic; Acanthocytosis with hypobetalipoproteinemia; APOB-Related Familial Hypobetalipoproteinemia. Identifiers: MedGen C4551990, MONDO:0014252, OMIM 615558.
Hypercholesterolemia, autosomal dominant, type B (FHCL2). Also called: Familial Hypercholesterolemia Type B; HYPERCHOLESTEROLEMIA, FAMILIAL, DUE TO LIGAND-DEFECTIVE APOLIPOPROTEIN B; Familial hypercholesterolemia 2; APOB-Related Familial Hypercholesterolemia, Autosomal Dominant; APOLIPOPROTEIN B-100, FAMILIAL DEFECTIVE; APOLIPOPROTEIN B-100, FAMILIAL LIGAND-DEFECTIVE. Identifiers: MedGen C1704417, MONDO:0007751, OMIM 144010.

Allele frequency attached by ClinVar (database versions not stated): ExAC 0.00005; TOPMed 0.00009; gnomAD 0.00010 and 0.00011; gnomAD exomes 0.00002 and 0.00003.
gnomAD v4.1: 41 of 1,613,896 alleles (0.0025%); highest among the groups gnomAD compares: African/African-American, 0.032%; no homozygotes.

Submissions (3):

ARUP Laboratories, Molecular Genetics and Genomics, ARUP Laboratories
Classification: Uncertain significance. Last evaluated: 2025-07-09. Review status: criteria provided, single submitter. Criteria: ARUP Molecular Germline Variant Investigation Process 2024. Collection method: clinical testing. Allele origin: germline.
Comment: The APOB c.9868G>A; p.Val3290Ile variant (rs772993823), to our knowledge, is not reported in the medical literature but is reported in ClinVar (Variation ID: 927812). This variant is primarily found in the African/African-American population with an allele frequency of 0.04% (10/24,960 alleles) in the Genome Aggregation Database (v2.1.1). Computational analyses predict that this variant is neutral (REVEL: 0.014). Due to limited information, the clinical significance of this variant is uncertain at this time.

Labcorp Genetics (formerly Invitae), Labcorp
Classification: Benign for Familial hypobetalipoproteinemia 1; Hypercholesterolemia, autosomal dominant, type B. Last evaluated: 2025-03-03. Review status: criteria provided, single submitter. Criteria: Invitae Variant Classification Sherloc (09022015). Collection method: clinical testing. Allele origin: germline.

Ambry Genetics
Classification: Likely benign for Cardiovascular phenotype. Last evaluated: 2018-09-13. Review status: criteria provided, single submitter. Criteria: Ambry Variant Classification Scheme 2023. Collection method: clinical testing. Allele origin: germline.